The following is an entry in ClinVar:

ClinVar aggregate classification (germline): Uncertain significance. Review status: criteria provided, multiple submitters, no conflicts (2 of 4 stars). 3 submissions from 3 submitters: Uncertain significance (3). Last evaluated 2025-09-12.

Conditions:
Cardiovascular phenotype. Identifiers: MedGen CN230736.
Alstrom syndrome (ALMS). Identifiers: Orphanet 64, MedGen C0268425, MONDO:0008763, OMIM 203800.

Allele frequency attached by ClinVar (database versions not stated): ExAC 0.00002; gnomAD 0.00002; TOPMed 0.00003; gnomAD exomes 0.00004.
gnomAD v4.1: 53 of 1,613,820 alleles (0.0033%); highest among the groups gnomAD compares: Admixed American, 0.01%; no homozygotes.

Submissions (3):

Ambry Genetics
Classification: Uncertain significance for Cardiovascular phenotype. Last evaluated: 2025-09-12. Review status: criteria provided, single submitter. Criteria: Ambry Variant Classification Scheme 2023. Collection method: clinical testing. Allele origin: germline.
Comment: The p.R2264W variant (also known as c.6790C>T), located in coding exon 8 of the ALMS1 gene, results from a C to T substitution at nucleotide position 6790. The arginine at codon 2264 is replaced by tryptophan, an amino acid with dissimilar properties. This amino acid position is poorly conserved in available vertebrate species. In addition, the in silico prediction for this alteration is inconclusive. Since supporting evidence is limited at this time, the clinical significance of this alteration remains unclear.

Blueprint Genetics
Classification: Uncertain significance. Last evaluated: 2024-08-05. Review status: criteria provided, single submitter. Criteria: ACMG Guidelines, 2015. Collection method: clinical testing. Allele origin: germline.

Labcorp Genetics (formerly Invitae), Labcorp
Classification: Uncertain significance for Alstrom syndrome. Last evaluated: 2022-06-28. Review status: criteria provided, single submitter. Criteria: Invitae Variant Classification Sherloc (09022015). Collection method: clinical testing. Allele origin: germline.
Comment: This sequence change replaces arginine, which is basic and polar, with tryptophan, which is neutral and slightly polar, at codon 2264 of the ALMS1 protein (p.Arg2264Trp). This variant is present in population databases (rs766277655, gnomAD 0.01%). This variant has not been reported in the literature in individuals affected with ALMS1-related conditions. Experimental studies and prediction algorithms are not available or were not evaluated, and the functional significance of this variant is currently unknown. In summary, the available evidence is currently insufficient to determine the role of this variant in disease. Therefore, it has been classified as a Variant of Uncertain Significance.

NM_001378454.1(ALMS1):c.6787C>T (p.Arg2263Trp)

Gene: ALMS1 (ALMS1 centrosome and basal body associated protein; plus strand). Cytogenetic location: 2p13.1.
Variant type: single nucleotide variant.
Coding change: c.6787C>T on transcript NM_001378454.1 (MANE Select); coding-DNA position 6787, C replaced by T.
Protein change: p.Arg2263Trp; replaces arginine 2263 with tryptophan.
Molecular consequence: missense variant.
Genome position (GRCh38, 1-based): chr2:73,453,314, C>T. VCF-style: chr2-73453314-C-T. GRCh37 (hg19) VCF-style: chr2-73680441-C-T.
Other names: c.6790C>T, p.Arg2264Trp (NM_015120.4); short protein forms R2263W, R2264W.
Identifiers: ClinVar variation 1755453 (VCV001755453.6), dbSNP rs766277655, ClinGen allele CA1714120.